The following is an entry in ClinVar:

ClinVar aggregate classification (germline): Uncertain significance. Review status: criteria provided, multiple submitters, no conflicts (2 of 4 stars). 3 submissions from 3 submitters: Uncertain significance (3). Last evaluated 2026-04-12.

Conditions:
GSS-related disorder. Also called: GSS-related condition.
Glutathione synthetase deficiency with 5-oxoprolinuria. Also called: 5-OXOPROLINURIA DUE TO GLUTATHIONE SYNTHETASE DEFICIENCY; PYROGLUTAMIC ACIDURIA; 5-Oxoprolinuria; Reduced glutathione synthetase level; Gluthathione synthetase deficiency. Identifiers: Orphanet 289846, MedGen C0398746, MONDO:0009947, OMIM 266130, HP:0003343.

Allele frequency attached by ClinVar (database versions not stated): gnomAD exomes 0.00001 and below 0.00001; TOPMed below 0.00001; ExAC 0.00001.
gnomAD v4.1: 8 of 1,564,762 alleles (0.00051%); highest among the groups gnomAD compares: Non-Finnish European, 0.0007%; no homozygotes.

Submissions (3):

GeneDx
Classification: Uncertain significance. Last evaluated: 2026-04-12. Review status: criteria provided, single submitter. Criteria: GeneDx Variant Classification Process June 2021. Collection method: clinical testing. Allele origin: germline.
Comment: Not observed at significant frequency in large population cohorts (gnomAD); In silico analysis supports that this missense variant has a deleterious effect on protein structure/function; Has not been previously published as pathogenic or benign to our knowledge

PreventionGenetics, part of Exact Sciences
Classification: Uncertain significance for GSS-related condition. Last evaluated: 2026-03-03. Review status: criteria provided, single submitter. Criteria: ACMG Guidelines, 2015. Collection method: clinical testing. Allele origin: germline.
Comment: The GSS c.494A>G variant is predicted to result in the amino acid substitution p.His165Arg. To our knowledge, this variant has not been reported in the literature. This variant is reported in 0.00088% of alleles in individuals of European (Non-Finnish) descent in gnomAD. At this time, the clinical significance of this variant is uncertain due to the absence of conclusive functional and genetic evidence.

Labcorp Genetics (formerly Invitae), Labcorp
Classification: Uncertain significance for Glutathione synthetase deficiency with 5-oxoprolinuria. Last evaluated: 2023-09-03. Review status: criteria provided, single submitter. Criteria: Invitae Variant Classification Sherloc (09022015). Collection method: clinical testing. Allele origin: germline.
Comment: In summary, the available evidence is currently insufficient to determine the role of this variant in disease. Therefore, it has been classified as a Variant of Uncertain Significance. This variant is present in population databases (rs752047572, gnomAD 0.0009%). This sequence change replaces histidine, which is basic and polar, with arginine, which is basic and polar, at codon 165 of the GSS protein (p.His165Arg). An algorithm developed to predict the effect of missense changes on protein structure and function (PolyPhen-2) suggests that this variant is likely to be tolerated. ClinVar contains an entry for this variant (Variation ID: 1430933). This variant has not been reported in the literature in individuals affected with GSS-related conditions.

NM_000178.4(GSS):c.494A>G (p.His165Arg)

Gene: GSS (glutathione synthetase; minus strand). Cytogenetic location: 20q11.22.
Variant type: single nucleotide variant.
Coding change: c.494A>G on transcript NM_000178.4 (MANE Select); coding-DNA position 494, A replaced by G.
Protein change: p.His165Arg; replaces histidine 165 with arginine.
Molecular consequence: missense variant.
Genome position (GRCh38, 1-based): chr20:34,941,827, T>C on the plus strand (A>G on the coding strand, the complement: GSS is on the minus strand). VCF-style: chr20-34941827-T-C. GRCh37 (hg19) VCF-style: chr20-33529630-T-C.
Other names: c.494A>G, p.His165Arg (NM_001322494.1, NM_001322495.1); c.494A>G (NM_000178.2, NM_000178.3); short protein forms H165R.
Identifiers: ClinVar variation 1430933 (VCV001430933.8), dbSNP rs752047572, ClinGen allele CA9826056.
Genomic context (GRCh38, chr20:34,941,827, plus strand): 5'-CTGGGATTATTAGAGAGGATCTTGCCAGCTTCTTTGGTCTTACTCAGGACACTGAGAACA[T>C]GTCTGTTGGAAGAGAGATGGCTGTTCAGTAATTGGATGGACCTGGAAGACCCCTCTGCCC-3'
Protein context (NP_000169.1, residues 155-175): LASRTPAVHR[His165Arg]VLSVLSKTKE